The following is an entry in ClinVar:

NM_001267550.2(TTN):c.42415+55T>C

Gene: TTN (titin; minus strand). Cytogenetic location: 2q31.2.
Variant type: single nucleotide variant.
Coding change: c.42415+55T>C on transcript NM_001267550.2 (MANE Select); 55 bases into the intron after coding-DNA position 42415, T replaced by C.
Molecular consequence: intron variant.
Genome position (GRCh38, 1-based): chr2:178,634,311, A>G on the plus strand (T>C on the coding strand, the complement: TTN is on the minus strand). VCF-style: chr2-178634311-A-G. GRCh37 (hg19) VCF-style: chr2-179499038-A-G.
Other names: c.15220+55T>C (NM_003319.4); c.15796+55T>C (NM_133437.4); c.15595+55T>C (NM_133432.3); c.34711+55T>C (NM_133378.4); c.37492+55T>C (NM_001256850.1).
Identifiers: ClinVar variation 672654 (VCV000672654.2), dbSNP rs7590037, ClinGen allele CA11260882.

ClinVar aggregate classification (germline): Benign. Review status: criteria provided, multiple submitters, no conflicts (2 of 4 stars). 2 submissions from 2 submitters: Benign (2). Last evaluated 2018-06-14.

Allele frequency attached by ClinVar (database versions not stated): gnomAD exomes 0.03801; gnomAD 0.07158 and 0.07370; TOPMed 0.07981; 1000 Genomes Project 0.10962; 1000 Genomes Project 30x 0.11071.
gnomAD v4.1: 65,374 of 1,564,772 alleles (4.2%); highest among the groups gnomAD compares: Admixed American, 17%; 3,197 homozygotes.

Submissions (2):

GeneDx
Classification: Benign. Last evaluated: 2018-06-14. Review status: criteria provided, single submitter. Criteria: GeneDx Variant Classification (06012015). Collection method: clinical testing. Allele origin: germline. Affected: yes.
Comment: This variant is considered likely benign or benign based on one or more of the following criteria: it is a conservative change, it occurs at a poorly conserved position in the protein, it is predicted to be benign by multiple in silico algorithms, and/or has population frequency not consistent with disease.

Breakthrough Genomics
Classification: Benign. Review status: criteria provided, single submitter. Criteria: ACMG Guidelines, 2015. Collection method: not provided. Allele origin: germline. Inheritance: Autosomal recessive inheritance. Affected: yes.